The following is an entry in ClinVar:

ClinVar aggregate classification (germline): Uncertain significance (0 of 4 stars; one submission).

Conditions:
SEMA3C-related disorder. Also called: SEMA3C-related condition.

gnomAD v4.1: 13 of 1,602,792 alleles (0.00081%); highest among the groups gnomAD compares: Non-Finnish European, 0.001%; no homozygotes.

Submission:

PreventionGenetics, part of Exact Sciences
Classification: Uncertain significance for SEMA3C-related condition. Last evaluated: 2024-06-03. Review status: no assertion criteria provided. Collection method: clinical testing. Allele origin: germline.
Comment: The SEMA3C c.158-3C>G variant is predicted to interfere with splicing. To our knowledge, this variant has not been reported in the literature or in a large population database, indicating this variant is rare. At this time, the clinical significance of this variant is uncertain due to the absence of conclusive functional and genetic evidence.

NM_006379.5(SEMA3C):c.104-3C>G

Gene: SEMA3C (semaphorin 3C; minus strand). Cytogenetic location: 7q21.11.
Variant type: single nucleotide variant.
Coding change: c.104-3C>G on transcript NM_006379.5 (MANE Select); 3 bases into the intron before coding-DNA position 104, C replaced by G.
Molecular consequence: intron variant.
Genome position (GRCh38, 1-based): chr7:80,828,748, G>C on the plus strand (C>G on the coding strand, the complement: SEMA3C is on the minus strand). VCF-style: chr7-80828748-G-C. GRCh37 (hg19) VCF-style: chr7-80458064-G-C.
Other names: c.158-3C>G (NM_001350120.2); c.-71-3C>G (NM_001350121.2).
Identifiers: ClinVar variation 3355703 (VCV003355703.1).